The following is an entry in ClinVar:

ClinVar aggregate classification (germline): Pathogenic (1 of 4 stars; one submission).

Submission:

GeneDx
Classification: Pathogenic. Last evaluated: 2015-11-17. Review status: criteria provided, single submitter. Criteria: GeneDx Variant Classification (06012015). Collection method: clinical testing. Allele origin: germline. Affected: yes.
Comment: The c.302+1G>T variant in the SLC25A1 gene has not been reported previously as a pathogenic variant nor as a benign variant, to our knowledge. This splice site variant destroys the canonical splice donor site in intron 3. It is predicted to cause abnormal gene splicing, either leading to an abnormal message that is subject to nonsense-mediated mRNA decay, or to an abnormal protein product if the message is used for protein translation. The c.302+1G>T variant was not observed in approximately 6300 individuals of European and African American ancestry in the NHLBI Exome Sequencing Project, indicating it is not a common benign variant in these populations. We interpret c.302+1G>T as a pathogenic variant

NM_005984.5(SLC25A1):c.302+1G>T

Gene: SLC25A1 (solute carrier family 25 member 1; minus strand). Cytogenetic location: 22q11.21.
Variant type: single nucleotide variant.
Coding change: c.302+1G>T on transcript NM_005984.5 (MANE Select); the canonical splice donor site of the intron after coding-DNA position 302, G replaced by T.
Molecular consequence: splice donor variant.
Genome position (GRCh38, 1-based): chr22:19,177,941, C>A on the plus strand (G>T on the coding strand, the complement: SLC25A1 is on the minus strand). VCF-style: chr22-19177941-C-A. GRCh37 (hg19) VCF-style: chr22-19165454-C-A.
Other names: c.-8+1G>T (NM_001287387.2); c.323+1G>T (NM_001256534.2).
Identifiers: ClinVar variation 449593 (VCV000449593.2), dbSNP rs1555923089, ClinGen allele CA410639866.